The following is an entry in ClinVar:

ClinVar aggregate classification (germline): Uncertain significance (1 of 4 stars; one submission).

Allele frequency attached by ClinVar (database versions not stated): ExAC 0.00001; TOPMed 0.00002; gnomAD 0.00003.
gnomAD v4.1: 41 of 1,613,856 alleles (0.0025%); highest among the groups gnomAD compares: African/African-American, 0.008%; no homozygotes.

Submission:

Labcorp Genetics (formerly Invitae), Labcorp
Classification: Uncertain significance. Last evaluated: 2022-09-13. Review status: criteria provided, single submitter. Criteria: Invitae Variant Classification Sherloc (09022015). Collection method: clinical testing. Allele origin: germline.
Comment: This sequence change replaces arginine, which is basic and polar, with cysteine, which is neutral and slightly polar, at codon 235 of the FUK protein (p.Arg235Cys). This variant is present in population databases (rs754568782, gnomAD 0.008%). This variant has not been reported in the literature in individuals affected with FUK-related conditions. Algorithms developed to predict the effect of missense changes on protein structure and function output the following: SIFT: "Tolerated"; PolyPhen-2: "Benign"; Align-GVGD: "Class C0". The cysteine amino acid residue is found in multiple mammalian species, which suggests that this missense change does not adversely affect protein function. In summary, the available evidence is currently insufficient to determine the role of this variant in disease. Therefore, it has been classified as a Variant of Uncertain Significance.

NM_145059.3(FCSK):c.703C>T (p.Arg235Cys)

Gene: FCSK (fucose kinase; plus strand). Cytogenetic location: 16q22.1.
Variant type: single nucleotide variant.
Coding change: c.703C>T on transcript NM_145059.3 (MANE Select); coding-DNA position 703, C replaced by T.
Protein change: p.Arg235Cys; replaces arginine 235 with cysteine.
Molecular consequence: missense variant.
Genome position (GRCh38, 1-based): chr16:70,468,888, C>T. VCF-style: chr16-70468888-C-T. GRCh37 (hg19) VCF-style: chr16-70502791-C-T.
Other names: short protein forms R235C.
Identifiers: ClinVar variation 1942083 (VCV001942083.5), dbSNP rs754568782, ClinGen allele CA8143056.